The following is an entry in ClinVar:

ClinVar aggregate classification (germline): Likely benign (1 of 4 stars; one submission).

Conditions:
EPHX1-related disorder. Also called: EPHX1-related condition.

Submission:

PreventionGenetics, part of Exact Sciences
Classification: Likely benign for EPHX1-related condition. Last evaluated: 2026-05-10. Review status: criteria provided, single submitter. Criteria: ACMG Guidelines, 2015. Collection method: clinical testing. Allele origin: germline.
Comment: This variant is classified as likely benign based on ACMG/AMP sequence variant interpretation guidelines (Richards et al. 2015 PMID: 25741868, with internal and published modifications).

NM_001136018.4(EPHX1):c.1041-4C>T

Genes: EPHX1 (epoxide hydrolase 1; plus strand), TMEM63A (transmembrane protein 63A; minus strand). Cytogenetic location: 1q42.12.
Variant type: single nucleotide variant.
Coding change: c.1041-4C>T on transcript NM_001136018.4 (MANE Select); 4 bases into the intron before coding-DNA position 1041, C replaced by T.
Molecular consequence: intron variant.
Genome position (GRCh38, 1-based): chr1:225,844,494, C>T. VCF-style: chr1-225844494-C-T. GRCh37 (hg19) VCF-style: chr1-226032195-C-T.
Other names: c.1041-4C>T (NM_001291163.2, NM_001378426.1, NM_001378427.1 and 1 more transcripts); c.993-4C>T (NM_001378429.1, NM_001378430.1); c.813-4C>T (NM_001378431.1); c.474-4C>T (NM_001378432.1); c.1014-4C>T (NM_001378428.1).
Identifiers: ClinVar variation 4994316 (VCV004994316.1).